The following is an entry in ClinVar:

NM_000057.4(BLM):c.2063T>C (p.Leu688Pro)

Gene: BLM (BLM RecQ like helicase; plus strand). Cytogenetic location: 15q26.1.
Variant type: single nucleotide variant.
Coding change: c.2063T>C on transcript NM_000057.4 (MANE Select); coding-DNA position 2063, T replaced by C.
Protein change: p.Leu688Pro; replaces leucine 688 with proline.
Molecular consequence: missense variant.
Genome position (GRCh38, 1-based): chr15:90,763,146, T>C. VCF-style: chr15-90763146-T-C. GRCh37 (hg19) VCF-style: chr15-91306376-T-C.
Other names: c.2063T>C, p.Leu688Pro (NM_001287246.2, NM_001287247.2); c.938T>C, p.Leu313Pro (NM_001287248.2); short protein forms L688P, L313P.
Identifiers: ClinVar variation 2185717 (VCV002185717.4), dbSNP rs2505435382, ClinGen allele CA393844471.

ClinVar aggregate classification (germline): Uncertain significance (1 of 4 stars; one submission).

Conditions:
Bloom syndrome (BLM). Also called: Bloom-Torre-Machacek syndrome. Identifiers: Orphanet 125, MedGen C0005859, MONDO:0008876, OMIM 210900.

Submission:

Labcorp Genetics (formerly Invitae), Labcorp
Classification: Uncertain significance for Bloom syndrome. Last evaluated: 2023-03-07. Review status: criteria provided, single submitter. Criteria: Invitae Variant Classification Sherloc (09022015). Collection method: clinical testing. Allele origin: germline.
Comment: In summary, the available evidence is currently insufficient to determine the role of this variant in disease. Therefore, it has been classified as a Variant of Uncertain Significance. Advanced modeling of protein sequence and biophysical properties (such as structural, functional, and spatial information, amino acid conservation, physicochemical variation, residue mobility, and thermodynamic stability) performed at Invitae indicates that this missense variant is expected to disrupt BLM protein function. ClinVar contains an entry for this variant (Variation ID: 2185717). This variant has not been reported in the literature in individuals affected with BLM-related conditions. This variant is not present in population databases (gnomAD no frequency). This sequence change replaces leucine, which is neutral and non-polar, with proline, which is neutral and non-polar, at codon 688 of the BLM protein (p.Leu688Pro).